The following is an entry in ClinVar:

NM_001365088.1(SLC12A6):c.1344G>A (p.Trp448Ter)

Gene: SLC12A6 (solute carrier family 12 member 6; minus strand). Cytogenetic location: 15q14.
Variant type: single nucleotide variant.
Coding change: c.1344G>A on transcript NM_001365088.1 (MANE Select); coding-DNA position 1344, G replaced by A.
Protein change: p.Trp448Ter; replaces tryptophan 448 with a stop codon.
Molecular consequence: nonsense.
Genome position (GRCh38, 1-based): chr15:34,251,047, C>T on the plus strand (G>A on the coding strand, the complement: SLC12A6 is on the minus strand). VCF-style: chr15-34251047-C-T. GRCh37 (hg19) VCF-style: chr15-34543248-C-T.
Other names: c.1167G>A, p.Trp389Ter (NM_001042494.2, NM_001042495.2); c.1317G>A, p.Trp439Ter (NM_001042496.2); c.1299G>A, p.Trp433Ter (NM_001042497.2); c.1191G>A, p.Trp397Ter (NM_005135.2); c.1344G>A, p.Trp448Ter (NM_133647.2); short protein forms W389*, W397*, W433*, W439*, W448*.
Identifiers: ClinVar variation 5012395 (VCV005012395.1).
Genomic context (GRCh38, chr15:34,251,047, plus strand): 5'-GACATCAGAAGATTTGGCTGAAGGCTTTTCGATGATCTCTCCCTTGGGTAGGTAATTACT[C>T]CAAAGATTCTCTGCAGTGGGAAAAATGGGAATTTAAGCAGCAGCAGTATGAAAAAAAAAA-3'

ClinVar aggregate classification (germline): Pathogenic (1 of 4 stars; one submission).

Conditions:
Agenesis of the corpus callosum with peripheral neuropathy (ACCPN). Also called: CHARLEVOIX DISEASE; POLYNEUROPATHY, SENSORIMOTOR, WITH OR WITHOUT AGENESIS OF THE CORPUS CALLOSUM; HMSN/ACC; Hereditary Motor and Sensory Neuropathy with Agenesis of the Corpus Callosum. Identifiers: Orphanet 1496, MedGen C0795950, MONDO:0000902, OMIM 218000. Disease mechanism: loss of function.

gnomAD v4.1: 1 of 1,607,480 alleles (0.000062%); highest among the groups gnomAD compares: Non-Finnish European, 0.000085%; no homozygotes.

Submission:

Myriad Genetics, Inc.
Classification: Pathogenic for Agenesis of the corpus callosum with peripheral neuropathy. Last evaluated: 2023-10-15. Review status: criteria provided, single submitter. Criteria: Myriad Autosomal Dominant, Autosomal Recessive and X-Linked Classification Criteria (2023). Collection method: clinical testing. Allele origin: unknown.
Comment: NM_133647.1(SLC12A6):c.1344G>A(W448*) is expected to be pathogenic in the context of Andermann syndrome. This variant is predicted to lead to an abnormal or absent protein product due to the creation of a premature termination codon in SLC12A6, a gene where loss-of-function variants are known to be pathogenic. Please note: this variant was assessed in the context of healthy population screening.